The following is an entry in ClinVar:

ClinVar aggregate classification (germline): Benign/Likely benign. Review status: criteria provided, multiple submitters, no conflicts (2 of 4 stars). 3 submissions from 3 submitters: Benign (1); Likely benign (2). Last evaluated 2024-11-07.

Conditions:
Hereditary cancer-predisposing syndrome. Also called: Neoplastic Syndromes, Hereditary; Tumor predisposition; Hereditary neoplastic syndrome; Hereditary Cancer Syndrome. Identifiers: Orphanet 140162, MedGen C0027672, MeSH D009386, MONDO:0015356.
Papillary renal cell carcinoma type 1 (RCCP1). Also called: RENAL CELL CARCINOMA, PAPILLARY, 1, SOMATIC; Renal adenocarcinoma; Renal cell carcinoma 1; Renal cell carcinoma, somatic. Identifiers: Orphanet 47044, MedGen C1336839, OMIM 605074, HP:0011797.
Renal cell carcinoma. Identifiers: Orphanet 217071, MedGen C0007134, MeSH D002292, MONDO:0005086, HP:0005584.

Submissions (3):

Myriad Genetics, Inc.
Classification: Benign for Papillary renal cell carcinoma type 1. Last evaluated: 2024-11-07. Review status: criteria provided, single submitter. Criteria: Myriad Autosomal Dominant, Autosomal Recessive and X-Linked Classification Criteria (2023). Collection method: clinical testing. Allele origin: unknown.
Comment: This variant is considered benign. This variant is a silent/synonymous amino acid change and it is not expected to impact splicing.

Labcorp Genetics (formerly Invitae), Labcorp
Classification: Likely benign for Renal cell carcinoma. Last evaluated: 2024-05-28. Review status: criteria provided, single submitter. Criteria: Invitae Variant Classification Sherloc (09022015). Collection method: clinical testing. Allele origin: germline.

Ambry Genetics
Classification: Likely benign for Hereditary cancer-predisposing syndrome. Last evaluated: 2023-01-01. Review status: criteria provided, single submitter. Criteria: Ambry Variant Classification Scheme 2023. Collection method: clinical testing. Allele origin: germline.

NM_000245.4(MET):c.1707C>T (p.Phe569=)

Gene: MET (MET proto-oncogene, receptor tyrosine kinase; plus strand). Cytogenetic location: 7q31.2.
Variant type: single nucleotide variant.
Coding change: c.1707C>T on transcript NM_000245.4 (MANE Select); coding-DNA position 1707, C replaced by T.
Protein change: p.Phe569=; no amino-acid change (phenylalanine 569 retained).
Molecular consequence: synonymous variant.
Genome position (GRCh38, 1-based): chr7:116,755,360, C>T. VCF-style: chr7-116755360-C-T. GRCh37 (hg19) VCF-style: chr7-116395414-C-T.
Other names: c.1707C>T, p.Phe569= (NM_001127500.3, NM_001324401.3); c.417C>T, p.Phe139= (NM_001324402.2).
Identifiers: ClinVar variation 3232916 (VCV003232916.4), dbSNP rs2485699628, ClinGen allele CA457216151.